The following is an entry in ClinVar:

ClinVar aggregate classification (germline): Uncertain significance. Review status: criteria provided, multiple submitters, no conflicts (2 of 4 stars). 2 submissions from 2 submitters: Uncertain significance (2). Last evaluated 2024-10-15.

Allele frequency attached by ClinVar (database versions not stated): gnomAD exomes below 0.00001.

Submissions (2):

Labcorp Genetics (formerly Invitae), Labcorp
Classification: Uncertain significance. Last evaluated: 2024-10-15. Review status: criteria provided, single submitter. Criteria: Invitae Variant Classification Sherloc (09022015). Collection method: clinical testing. Allele origin: germline.
Comment: This sequence change replaces glutamic acid, which is acidic and polar, with glycine, which is neutral and non-polar, at codon 28 of the MAK protein (p.Glu28Gly). This variant is present in population databases (no rsID available, gnomAD 0.0009%). This variant has not been reported in the literature in individuals affected with MAK-related conditions. ClinVar contains an entry for this variant (Variation ID: 964154). Invitae Evidence Modeling of protein sequence and biophysical properties (such as structural, functional, and spatial information, amino acid conservation, physicochemical variation, residue mobility, and thermodynamic stability) indicates that this missense variant is expected to disrupt MAK protein function with a positive predictive value of 80%. Algorithms developed to predict the effect of sequence changes on RNA splicing suggest that this variant may disrupt the consensus splice site. In summary, the available evidence is currently insufficient to determine the role of this variant in disease. Therefore, it has been classified as a Variant of Uncertain Significance.

Blueprint Genetics
Classification: Uncertain significance. Last evaluated: 2024-03-26. Review status: criteria provided, single submitter. Criteria: ACMG Guidelines, 2015. Collection method: clinical testing. Allele origin: germline.

NM_001242957.3(MAK):c.83A>G (p.Glu28Gly)

Gene: MAK (male germ cell associated kinase; minus strand). Cytogenetic location: 6p24.2.
Variant type: single nucleotide variant.
Coding change: c.83A>G on transcript NM_001242957.3 (MANE Select); coding-DNA position 83, A replaced by G.
Protein change: p.Glu28Gly; replaces glutamic acid 28 with glycine.
Molecular consequence: missense variant. On other transcripts: non-coding transcript variant (2), intron variant (1).
Genome position (GRCh38, 1-based): chr6:10,830,566, T>C on the plus strand (A>G on the coding strand, the complement: MAK is on the minus strand). VCF-style: chr6-10830566-T-C. GRCh37 (hg19) VCF-style: chr6-10830799-T-C.
Other names: c.83A>G, p.Glu28Gly (NM_001242385.2, NM_005906.6); c.-2+7937A>G (NM_001377262.1); short protein forms E28G.
Identifiers: ClinVar variation 964154 (VCV000964154.9), dbSNP rs1284073816, ClinGen allele CA362721726.